The following is an entry in ClinVar:

ClinVar aggregate classification (germline): Conflicting classifications of pathogenicity. Review status: criteria provided, conflicting classifications (1 of 4 stars). 9 submissions from 9 submitters: Uncertain significance (6); Benign (1); Likely benign (1). 1 of the submissions does not count toward it. Last evaluated 2025-12-31.

Conditions:
Diamond-Blackfan anemia. Also called: Blackfan Diamond syndrome; Aregenerative anemia chronic congenital; Red cell aplasia, pure hereditary; Congenital hypoplastic anemia; Aase syndrome. Identifiers: Orphanet 124, MedGen C1260899, MeSH D029503, MONDO:0015253, HP:0004810.
Diamond-Blackfan anemia 6 (DBA6). Also called: RPL5-Related Diamond-Blackfan Anemia. Identifiers: Orphanet 124, MedGen C2931850, MONDO:0012937, OMIM 612561.

Allele frequency attached by ClinVar (database versions not stated): TOPMed 0.00009; gnomAD exomes 0.00011 and 0.00009; ExAC 0.00013; gnomAD 0.00008.
gnomAD v4.1: 148 of 1,614,076 alleles (0.0092%); highest among the groups gnomAD compares: Middle Eastern, 0.31%; no homozygotes.

Submissions (9):

Labcorp Genetics (formerly Invitae), Labcorp
Classification: Uncertain significance for Diamond-Blackfan anemia. Last evaluated: 2025-12-31. Review status: criteria provided, single submitter. Criteria: Invitae Variant Classification Sherloc (09022015). Collection method: clinical testing. Allele origin: germline.
Comment: This sequence change replaces glycine, which is neutral and non-polar, with serine, which is neutral and polar, at codon 140 of the RPL5 protein (p.Gly140Ser). This variant is present in population databases (rs121434406, gnomAD 0.02%). This missense change has been observed in individual(s) with Diamond-Blackfan anemia (PMID: 19061985, 30183354, 30503522). ClinVar contains an entry for this variant (Variation ID: 6180). Invitae Evidence Modeling of protein sequence and biophysical properties (such as structural, functional, and spatial information, amino acid conservation, physicochemical variation, residue mobility, and thermodynamic stability) indicates that this missense variant is not expected to disrupt RPL5 protein function with a negative predictive value of 80%. In summary, the available evidence is currently insufficient to determine the role of this variant in disease. Therefore, it has been classified as a Variant of Uncertain Significance.

CeGaT Center for Human Genetics Tuebingen
Classification: Benign. Last evaluated: 2025-11-01. Review status: criteria provided, single submitter. Criteria: CeGaT Center For Human Genetics Tuebingen Variant Classification Criteria Version 2. Collection method: clinical testing. Allele origin: germline. Affected: yes. Observed: 2 variant alleles.
Comment: RPL5: BS1, BS2

Center for Genomic Medicine, Rigshospitalet, Copenhagen University Hospital
Classification: Uncertain significance. Last evaluated: 2025-03-04. Review status: criteria provided, single submitter. Criteria: ACMG Guidelines, 2015. Collection method: clinical testing. Allele origin: germline.

Blueprint Genetics
Classification: Likely benign. Last evaluated: 2024-10-08. Review status: criteria provided, single submitter. Criteria: ACMG Guidelines, 2015. Collection method: clinical testing. Allele origin: germline.

Revvity Omics, Revvity
Classification: Uncertain significance for Diamond-Blackfan anemia 6. Last evaluated: 2024-08-20. Review status: criteria provided, single submitter. Criteria: ACMG Guidelines, 2015. Collection method: clinical testing. Allele origin: germline.

GeneDx
Classification: Uncertain significance. Last evaluated: 2022-05-25. Review status: criteria provided, single submitter. Criteria: GeneDx Variant Classification Process June 2021. Collection method: clinical testing. Allele origin: germline. Affected: yes.
Comment: In silico analysis supports that this missense variant has a deleterious effect on protein structure/function; Identified in a patient with Diamond-Blackfan anemia inherited from unaffected father in published literature (Gazda 2008); This variant is associated with the following publications: (PMID: 30503522, 30183354, 34426522, 19061985)

Fulgent Genetics
Classification: Uncertain significance for Diamond-Blackfan anemia 6. Last evaluated: 2022-03-02. Review status: criteria provided, single submitter. Criteria: ACMG Guidelines, 2015. Collection method: clinical testing. Allele origin: unknown.

Genetic Services Laboratory, University of Chicago
Classification: Uncertain significance. Last evaluated: 2016-11-18. Review status: criteria provided, single submitter. Criteria: ACMG Guidelines, 2015. Collection method: clinical testing. Allele origin: germline. Affected: no.

OMIM
Classification: Pathogenic for DIAMOND-BLACKFAN ANEMIA 6. Last evaluated: 2008-12-01. Review status: no assertion criteria provided. Collection method: literature only. Allele origin: germline. Not counted in ClinVar's aggregate classification.

Literature cited by the submitters: PubMed 19061985 (cited by 3 submitters); PubMed 30183354 (cited by Labcorp Genetics (formerly Invitae), Labcorp); PubMed 30503522 (cited by Labcorp Genetics (formerly Invitae), Labcorp and Center for Genomic Medicine, Rigshospitalet, Copenhagen University Hospital).

NM_000969.5(RPL5):c.418G>A (p.Gly140Ser)

Genes: DIPK1A (divergent protein kinase domain 1A; minus strand), RPL5 (ribosomal protein L5; plus strand). Cytogenetic location: 1p22.1.
Variant type: single nucleotide variant.
Coding change: c.418G>A on transcript NM_000969.5 (MANE Select); coding-DNA position 418, G replaced by A.
Protein change: p.Gly140Ser; replaces glycine 140 with serine.
Molecular consequence: missense variant. On other transcripts: non-coding transcript variant (1), intron variant (1).
Genome position (GRCh38, 1-based): chr1:92,836,283, G>A. VCF-style: chr1-92836283-G-A. GRCh37 (hg19) VCF-style: chr1-93301840-G-A.
Other names: c.475-3249C>T (NM_001252273.2); short protein forms G140S.
Identifiers: ClinVar variation 6180 (VCV000006180.49), dbSNP rs121434406, ClinGen allele CA253788.